The following is an entry in ClinVar:

NM_015450.3(POT1):c.1475T>C (p.Phe492Ser)

Gene: POT1 (protection of telomeres 1; minus strand). Cytogenetic location: 7q31.33.
Variant type: single nucleotide variant.
Coding change: c.1475T>C on transcript NM_015450.3 (MANE Select); coding-DNA position 1475, T replaced by C.
Protein change: p.Phe492Ser; replaces phenylalanine 492 with serine.
Molecular consequence: missense variant. On other transcripts: non-coding transcript variant (3).
Genome position (GRCh38, 1-based): chr7:124,835,309, A>G on the plus strand (T>C on the coding strand, the complement: POT1 is on the minus strand). VCF-style: chr7-124835309-A-G. GRCh37 (hg19) VCF-style: chr7-124475363-A-G.
Other names: c.1082T>C, p.Phe361Ser (NM_001042594.2); short protein forms F492S, F361S.
Identifiers: ClinVar variation 5027200 (VCV005027200.1).

ClinVar aggregate classification (germline): Uncertain significance (1 of 4 stars; one submission).

Conditions:
Hereditary cancer-predisposing syndrome. Also called: Neoplastic Syndromes, Hereditary; Tumor predisposition; Hereditary neoplastic syndrome; Hereditary Cancer Syndrome. Identifiers: Orphanet 140162, MedGen C0027672, MeSH D009386, MONDO:0015356.

Submission:

Ambry Genetics
Classification: Uncertain significance for Hereditary cancer-predisposing syndrome. Last evaluated: 2026-09-07. Review status: criteria provided, single submitter. Criteria: Ambry Variant Classification Scheme 2023. Collection method: clinical testing. Allele origin: germline.
Comment: The p.F492S variant (also known as c.1475T>C), located in coding exon 11 of the POT1 gene, results from a T to C substitution at nucleotide position 1475. The phenylalanine at codon 492 is replaced by serine, an amino acid with highly dissimilar properties. This amino acid position is conserved. In addition, this alteration is predicted to be deleterious by in silico analysis. Based on the available evidence, the clinical significance of this variant remains unclear.